The following is an entry in ClinVar:

NM_001204.7(BMPR2):c.1810A>G (p.Ser604Gly)

Gene: BMPR2 (bone morphogenetic protein receptor type 2; plus strand). Cytogenetic location: 2q33.2.
Variant type: single nucleotide variant.
Coding change: c.1810A>G on transcript NM_001204.7 (MANE Select); coding-DNA position 1810, A replaced by G.
Protein change: p.Ser604Gly; replaces serine 604 with glycine.
Molecular consequence: missense variant.
Genome position (GRCh38, 1-based): chr2:202,555,475, A>G. VCF-style: chr2-202555475-A-G. GRCh37 (hg19) VCF-style: chr2-203420198-A-G.
Other names: short protein forms S604G.
Identifiers: ClinVar variation 3992165 (VCV003992165.1).

ClinVar aggregate classification (germline): Uncertain significance (1 of 4 stars; one submission).

Conditions:
Inborn genetic diseases. Identifiers: MedGen C0950123, MeSH D030342.

gnomAD v4.1: 1 of 1,614,112 alleles (0.000062%); highest among the groups gnomAD compares: Non-Finnish European, 0.000085%; no homozygotes.

Submission:

Ambry Genetics
Classification: Uncertain significance for Inborn genetic diseases. Last evaluated: 2025-05-15. Review status: criteria provided, single submitter. Criteria: Ambry Variant Classification Scheme 2023. Collection method: clinical testing. Allele origin: germline.
Comment: The p.S604G variant (also known as c.1810A>G), located in coding exon 12 of the BMPR2 gene, results from an A to G substitution at nucleotide position 1810. The serine at codon 604 is replaced by glycine, an amino acid with similar properties. This amino acid position is conserved. In addition, this alteration is predicted to be tolerated by in silico analysis. Based on the available evidence, the clinical significance of this variant remains unclear.